The following is an entry in ClinVar:

NM_000229.2(LCAT):c.618C>T (p.Leu206=)

Gene: LCAT (lecithin-cholesterol acyltransferase; minus strand). Cytogenetic location: 16q22.1.
Variant type: single nucleotide variant.
Coding change: c.618C>T on transcript NM_000229.2 (MANE Select); coding-DNA position 618, C replaced by T.
Protein change: p.Leu206=; no amino-acid change (leucine 206 retained).
Molecular consequence: synonymous variant.
Genome position (GRCh38, 1-based): chr16:67,942,493, G>A on the plus strand (C>T on the coding strand, the complement: LCAT is on the minus strand). VCF-style: chr16-67942493-G-A. GRCh37 (hg19) VCF-style: chr16-67976396-G-A.
Identifiers: ClinVar variation 884654 (VCV000884654.28), dbSNP rs372699306, ClinGen allele CA8121009.

ClinVar aggregate classification (germline): Conflicting classifications of pathogenicity. Review status: criteria provided, conflicting classifications (1 of 4 stars). 4 submissions from 4 submitters: Uncertain significance (1); Likely benign (3). Last evaluated 2025-12-28.

Conditions:
Cardiovascular phenotype. Identifiers: MedGen CN230736.
LCAT deficiency. Also called: Lecithin Acyltransferase Deficiency. Identifiers: Orphanet 650, Orphanet 79293, MedGen C5779633, MONDO:0018999.

Allele frequency attached by ClinVar (database versions not stated): ESP Exome Variant Server 0.00008; gnomAD exomes 0.00008; ExAC 0.00011; gnomAD 0.00011; TOPMed 0.00016.
gnomAD v4.1: 236 of 1,613,672 alleles (0.015%); highest among the groups gnomAD compares: East Asian, 0.21%; 1 homozygote.

Submissions (4):

Labcorp Genetics (formerly Invitae), Labcorp
Classification: Likely benign. Last evaluated: 2025-12-28. Review status: criteria provided, single submitter. Criteria: Invitae Variant Classification Sherloc (09022015). Collection method: clinical testing. Allele origin: germline.

CeGaT Center for Human Genetics Tuebingen
Classification: Likely benign. Last evaluated: 2024-06-01. Review status: criteria provided, single submitter. Criteria: CeGaT Center For Human Genetics Tuebingen Variant Classification Criteria Version 2. Collection method: clinical testing. Allele origin: germline. Affected: yes. Observed: 1 variant allele.
Comment: LCAT: BP4, BP7

Ambry Genetics
Classification: Likely benign for Cardiovascular phenotype. Last evaluated: 2019-11-17. Review status: criteria provided, single submitter. Criteria: Ambry Variant Classification Scheme 2023. Collection method: clinical testing. Allele origin: germline.

Illumina Laboratory Services, Illumina
Classification: Uncertain significance for Norum disease. Last evaluated: 2018-01-13. Review status: criteria provided, single submitter. Criteria: ICSL Variant Classification Criteria 13 December 2019. Collection method: clinical testing. Allele origin: germline.